The following is an entry in ClinVar:

NM_006514.4(SCN10A):c.574C>A (p.Leu192Met)

Gene: SCN10A (sodium voltage-gated channel alpha subunit 10; minus strand). Cytogenetic location: 3p22.2.
Variant type: single nucleotide variant.
Coding change: c.574C>A on transcript NM_006514.4 (MANE Select); coding-DNA position 574, C replaced by A.
Protein change: p.Leu192Met; replaces leucine 192 with methionine.
Molecular consequence: missense variant.
Genome position (GRCh38, 1-based): chr3:38,771,304, G>T on the plus strand (C>A on the coding strand, the complement: SCN10A is on the minus strand). VCF-style: chr3-38771304-G-T. GRCh37 (hg19) VCF-style: chr3-38812795-G-T.
Other names: c.574C>A, p.Leu192Met (NM_001293306.2, NM_001293307.2); short protein forms L192M.
Identifiers: ClinVar variation 2419566 (VCV002419566.6), dbSNP rs2470837710, ClinGen allele CA352156140.

ClinVar aggregate classification (germline): Uncertain significance (1 of 4 stars; one submission).

Conditions:
Brugada syndrome. Also called: Sudden unexplained nocturnal death syndrome; Sudden unexpected nocturnal death syndrome; Sudden Unexplained Death Syndrome; Sudden Unexplained Nocturnal Death Syndrome (SUNDS). Identifiers: Orphanet 130, MedGen C1142166, MONDO:0015263.

Submission:

Labcorp Genetics (formerly Invitae), Labcorp
Classification: Uncertain significance for Brugada syndrome. Last evaluated: 2022-04-24. Review status: criteria provided, single submitter. Criteria: Invitae Variant Classification Sherloc (09022015). Collection method: clinical testing. Allele origin: germline.
Comment: In summary, the available evidence is currently insufficient to determine the role of this variant in disease. Therefore, it has been classified as a Variant of Uncertain Significance. Advanced modeling of protein sequence and biophysical properties (such as structural, functional, and spatial information, amino acid conservation, physicochemical variation, residue mobility, and thermodynamic stability) performed at Invitae indicates that this missense variant is expected to disrupt SCN10A protein function. This variant has not been reported in the literature in individuals affected with SCN10A-related conditions. This variant is not present in population databases (gnomAD no frequency). This sequence change replaces leucine, which is neutral and non-polar, with methionine, which is neutral and non-polar, at codon 192 of the SCN10A protein (p.Leu192Met).